The following is an entry in ClinVar:

ClinVar aggregate classification (germline): Uncertain significance (1 of 4 stars; one submission).

gnomAD v4.1: 3 of 1,568,158 alleles (0.00019%); highest among the groups gnomAD compares: East Asian, 0.0071%; no homozygotes.

Submission:

Labcorp Genetics (formerly Invitae), Labcorp
Classification: Uncertain significance. Last evaluated: 2025-04-26. Review status: criteria provided, single submitter. Criteria: Invitae Variant Classification Sherloc (09022015). Collection method: clinical testing. Allele origin: germline.
Comment: This sequence change replaces proline, which is neutral and non-polar, with glutamine, which is neutral and polar, at codon 419 of the ARHGEF1 protein (p.Pro419Gln). This variant is not present in population databases (gnomAD no frequency). This variant has not been reported in the literature in individuals affected with ARHGEF1-related conditions. An algorithm developed to predict the effect of missense changes on protein structure and function outputs the following: PolyPhen-2: "Benign". The glutamine amino acid residue is found in multiple mammalian species, which suggests that this missense change does not adversely affect protein function. In summary, the available evidence is currently insufficient to determine the role of this variant in disease. Therefore, it has been classified as a Variant of Uncertain Significance.

NM_004706.4(ARHGEF1):c.1211C>A (p.Pro404Gln)

Gene: ARHGEF1 (Rho guanine nucleotide exchange factor 1; plus strand). Cytogenetic location: 19q13.2.
Variant type: single nucleotide variant.
Coding change: c.1211C>A on transcript NM_004706.4 (MANE Select); coding-DNA position 1211, C replaced by A.
Protein change: p.Pro404Gln; replaces proline 404 with glutamine.
Molecular consequence: missense variant. On other transcripts: non-coding transcript variant (2).
Genome position (GRCh38, 1-based): chr19:41,898,531, C>A. VCF-style: chr19-41898531-C-A. GRCh37 (hg19) VCF-style: chr19-42402680-C-A.
Other names: c.1379C>A, p.Pro460Gln (NM_001396000.1); c.1112C>A, p.Pro371Gln (NM_001396002.1, NM_001396004.1, NM_198977.2); c.1211C>A, p.Pro404Gln (NM_001396003.1, NM_001396006.1); c.1256C>A, p.Pro419Gln (NM_199002.2); short protein forms P371Q, P404Q, P419Q, P460Q.
Identifiers: ClinVar variation 4805160 (VCV004805160.1).